The following is an entry in ClinVar:

ClinVar aggregate classification (germline): Likely pathogenic. Review status: criteria provided, single submitter (1 of 4 stars). 2 submissions from 2 submitters: Likely pathogenic (1). 1 of the submissions does not count toward it. Last evaluated 2025-12-10.

Conditions:
Autosomal recessive limb-girdle muscular dystrophy type 2I. Also called: MUSCULAR DYSTROPHY-DYSTROGLYCANOPATHY, LIMB-GIRDLE, FRKP-RELATED; MUSCULAR DYSTROPHY, LIMB-GIRDLE, TYPE 2I; MUSCULAR DYSTROPHY-DYSTROGLYCANOPATHY (LIMB-GIRDLE), TYPE C, 5. Identifiers: Orphanet 34515, MedGen C1846672, MONDO:0011787, OMIM 607155.

Submissions (2):

Natera, Inc.
Classification: Likely pathogenic for Limb-girdle muscular dystrophy type 2I. Last evaluated: 2025-12-10. Review status: criteria provided, single submitter. Criteria: Natera Variant Classification Schema (03/2026). Collection method: clinical testing. Allele origin: germline.
Comment: The c.764G>A variant in FKRP is a nonsense variant predicted to introduce a stop codon at amino acid 255. This variant is expected to result in nonsense mediated decay, truncation, or a dysfunctional protein product. This variant is rare in the general population with a frequency below the threshold expected for the associated phenotype(s). This variant has been observed in one or more individuals affected with the associated recessive disease, as either homozygous or compound heterozygous with a second variant (PMID: 17113772). This variant has been observed to segregate in affected family members (PMID: 17113772). Given the available evidence, this variant is classified as Likely Pathogenic.

OMIM
Classification: Pathogenic for MUSCULAR DYSTROPHY-DYSTROGLYCANOPATHY (LIMB-GIRDLE), TYPE C, 5. Last evaluated: 2003-12-01. Review status: no assertion criteria provided. Collection method: literature only. Allele origin: germline. Not counted in ClinVar's aggregate classification.

Literature cited by the submitters: PubMed 17113772 (cited by Natera, Inc.); PubMed 14647208 (cited by OMIM).

NM_024301.5(FKRP):c.764G>A (p.Trp255Ter)

Gene: FKRP (fukutin related protein; plus strand). Cytogenetic location: 19q13.32.
Variant type: single nucleotide variant.
Coding change: c.764G>A on transcript NM_024301.5 (MANE Select); coding-DNA position 764, G replaced by A.
Protein change: p.Trp255Ter; replaces tryptophan 255 with a stop codon.
Molecular consequence: nonsense.
Genome position (GRCh38, 1-based): chr19:46,756,214, G>A. VCF-style: chr19-46756214-G-A. GRCh37 (hg19) VCF-style: chr19-47259471-G-A.
Other names: c.764G>A, p.Trp255Ter (NM_001039885.3); c.764G>A (NM_024301.4); short protein forms W255*.
Identifiers: ClinVar variation 4230 (VCV000004230.2), dbSNP rs104894689, ClinGen allele CA116718.